The following is an entry in ClinVar:

ClinVar aggregate classification (germline): Uncertain significance (1 of 4 stars; one submission).

Submission:

GeneDx
Classification: Uncertain significance. Last evaluated: 2025-04-25. Review status: criteria provided, single submitter. Criteria: GeneDx Variant Classification Process June 2021. Collection method: clinical testing. Allele origin: germline. Affected: yes.
Comment: Not observed at significant frequency in large population cohorts (gnomAD); Frameshift variant predicted to result in abnormal protein length as the last 23 amino acid(s) are replaced with 52 different amino acid(s); Has not been previously published as pathogenic or benign to our knowledge

NM_003718.5(CDK13):c.4467del (p.Tyr1490fs)

Gene: CDK13 (cyclin dependent kinase 13; plus strand). Cytogenetic location: 7p14.1.
Variant type: Deletion.
Coding change: c.4467del on transcript NM_003718.5 (MANE Select); coding-DNA position 4467, one base deleted (A; older notation c.4467delA).
Protein change: p.Tyr1490fs; shifts the reading frame from tyrosine 1490.
Molecular consequence: frameshift variant.
Genome position (GRCh38, 1-based): chr7:40,094,908, A deleted. VCF-style (leftmost placement, unchanged base first): chr7-40094907-GA-G. GRCh37 (hg19) VCF-style: chr7-40134506-GA-G.
Other names: c.4287delA, p.Tyr1430Ilefs (NM_031267.4); short protein forms Y1430fs, Y1490fs.
Identifiers: ClinVar variation 4527430 (VCV004527430.1).